The following is an entry in ClinVar:

ClinVar aggregate classification (germline): Conflicting classifications of pathogenicity. Review status: criteria provided, conflicting classifications (1 of 4 stars). 2 submissions from 2 submitters: Uncertain significance (1); Likely benign (1). Last evaluated 2025-03-01.

Conditions:
BEST1-related disorder. Also called: BEST1-related disorders; BEST1-related condition. Identifiers: MedGen CN239200.

Submissions (2):

PreventionGenetics, part of Exact Sciences
Classification: Uncertain significance for BEST1-related condition. Last evaluated: 2025-03-01. Review status: criteria provided, single submitter. Criteria: ACMG Guidelines, 2015. Collection method: clinical testing. Allele origin: germline.
Comment: The BEST1 c.1781C>G variant is predicted to result in the amino acid substitution p.Pro594Arg. To our knowledge, this variant has not been reported in the literature. This variant is present in 0.050% of alleles in individuals of African descent in gnomAD. At this time, the clinical significance of this variant is uncertain due to the absence of conclusive functional and genetic evidence.

Blueprint Genetics
Classification: Likely benign. Last evaluated: 2023-04-11. Review status: criteria provided, single submitter. Criteria: ACMG Guidelines, 2015. Collection method: clinical testing. Allele origin: germline.

NM_004183.4(BEST1):c.1739+222C>G

Gene: BEST1 (bestrophin 1; plus strand). Cytogenetic location: 11q12.3.
Variant type: single nucleotide variant.
Coding change: c.1739+222C>G on transcript NM_004183.4 (MANE Select); 222 bases into the intron after coding-DNA position 1739, C replaced by G.
Molecular consequence: intron variant. On other transcripts: missense variant (9), 3 prime UTR variant (1).
Genome position (GRCh38, 1-based): chr11:61,963,115, C>G. VCF-style: chr11-61963115-C-G. GRCh37 (hg19) VCF-style: chr11-61730587-C-G.
Other names: c.1781C>G, p.Pro594Arg (NM_001139443.3); c.1643C>G, p.Pro548Arg (NM_001363591.3); c.*856C>G (NM_001363592.2); c.989C>G, p.Pro330Arg (NM_001363593.3); c.1961C>G, p.Pro654Arg (NM_001440571.1); c.1880C>G, p.Pro627Arg (NM_001440572.1); c.1808C>G, p.Pro603Arg (NM_001440573.1); c.1700C>G, p.Pro567Arg (NM_001440574.1); and 5 more; short protein forms P594R, P603R, P627R, P516R, P548R, P567R, P330R, P543R.
Identifiers: ClinVar variation 4912001 (VCV004912001.2).
Genomic context (GRCh38, chr11:61,963,115, plus strand): 5'-CCTTCACAGGGATCCTAGGGAAGTGTTCGGGACCTTTTCTCACTTCACCCTGGTATCACC[C>G]GGAAGACTTCTTGGGACCAGGTGAAGGAAGATGAGGTTGTGCTGACCAGAATGCTGCTGG-3'